The following is an entry in ClinVar:

ClinVar aggregate classification (germline): Uncertain significance. Review status: criteria provided, multiple submitters, no conflicts (2 of 4 stars). 2 submissions from 2 submitters: Uncertain significance (2). Last evaluated 2026-09-11.

Conditions:
Cardiovascular phenotype. Identifiers: MedGen CN230736.
Hypertrophic cardiomyopathy. Also called: HYPERTROPHIC MYOCARDIOPATHY. Identifiers: Orphanet 217569, MedGen C0007194, MeSH D002312, MONDO:0005045, HP:0001639.

Allele frequency attached by ClinVar (database versions not stated): gnomAD exomes below 0.00001.
gnomAD v4.1: 1 of 1,536,250 alleles (0.000065%); highest among the groups gnomAD compares: South Asian, 0.0012%; no homozygotes.

Submissions (2):

Ambry Genetics
Classification: Uncertain significance for Cardiovascular phenotype. Last evaluated: 2026-09-11. Review status: criteria provided, single submitter. Criteria: Ambry Variant Classification Scheme 2023. Collection method: clinical testing. Allele origin: germline.
Comment: The p.E112V variant (also known as c.335A>T), located in coding exon 3 of the MYBPC3 gene, results from an A to T substitution at nucleotide position 335. The glutamic acid at codon 112 is replaced by valine, an amino acid with dissimilar properties. This amino acid position is conserved. In addition, this alteration is predicted to be tolerated by in silico analysis. Based on the available evidence, the clinical significance of this variant remains unclear.

Labcorp Genetics (formerly Invitae), Labcorp
Classification: Uncertain significance for Hypertrophic cardiomyopathy. Last evaluated: 2021-08-30. Review status: criteria provided, single submitter. Criteria: Invitae Variant Classification Sherloc (09022015). Collection method: clinical testing. Allele origin: germline.
Comment: This sequence change replaces glutamic acid with valine at codon 112 of the MYBPC3 protein (p.Glu112Val). The glutamic acid residue is highly conserved and there is a moderate physicochemical difference between glutamic acid and valine. This variant is not present in population databases (ExAC no frequency). This variant has not been reported in the literature in individuals affected with MYBPC3-related conditions. Algorithms developed to predict the effect of missense changes on protein structure and function are either unavailable or do not agree on the potential impact of this missense change (SIFT: "Deleterious"; PolyPhen-2: "Benign"; Align-GVGD: "Class C0"). In summary, the available evidence is currently insufficient to determine the role of this variant in disease. Therefore, it has been classified as a Variant of Uncertain Significance.

NM_000256.3(MYBPC3):c.335A>T (p.Glu112Val)

Gene: MYBPC3 (myosin binding protein C3; minus strand). Cytogenetic location: 11p11.2.
Variant type: single nucleotide variant.
Coding change: c.335A>T on transcript NM_000256.3 (MANE Select); coding-DNA position 335, A replaced by T.
Protein change: p.Glu112Val; replaces glutamic acid 112 with valine.
Molecular consequence: missense variant.
Genome position (GRCh38, 1-based): chr11:47,350,573, T>A on the plus strand (A>T on the coding strand, the complement: MYBPC3 is on the minus strand). VCF-style: chr11-47350573-T-A. GRCh37 (hg19) VCF-style: chr11-47372124-T-A.
Other names: short protein forms E112V.
Identifiers: ClinVar variation 1378682 (VCV001378682.5), dbSNP rs2142868751, ClinGen allele CA380340854.